The following is an entry in ClinVar:

NM_015330.6(SPECC1L):c.1026G>A (p.Met342Ile)

Genes: SPECC1L (sperm antigen with calponin homology and coiled-coil domains 1 like; plus strand), SPECC1L-ADORA2A (SPECC1L-ADORA2A readthrough (NMD candidate); plus strand). Cytogenetic location: 22q11.23.
Variant type: single nucleotide variant.
Coding change: c.1026G>A on transcript NM_015330.6 (MANE Select); coding-DNA position 1026, G replaced by A.
Protein change: p.Met342Ile; replaces methionine 342 with isoleucine.
Molecular consequence: missense variant. On other transcripts: non-coding transcript variant (1).
Genome position (GRCh38, 1-based): chr22:24,322,006, G>A. VCF-style: chr22-24322006-G-A. GRCh37 (hg19) VCF-style: chr22-24717974-G-A.
Other names: c.1026G>A, p.Met342Ile (NM_001145468.4, NM_001254732.3); short protein forms M342I.
Identifiers: ClinVar variation 1463248 (VCV001463248.6), dbSNP rs180674130, ClinGen allele CA10152058.

ClinVar aggregate classification (germline): Uncertain significance (1 of 4 stars; one submission).

Allele frequency attached by ClinVar (database versions not stated): gnomAD exomes below 0.00001 and 0.00002; TOPMed below 0.00001; ExAC 0.00001; gnomAD 0.00001; 1000 Genomes Project 0.00020; 1000 Genomes Project 30x 0.00031.
gnomAD v4.1: 9 of 1,614,172 alleles (0.00056%); highest among the groups gnomAD compares: East Asian, 0.016%; no homozygotes.

Submission:

Labcorp Genetics (formerly Invitae), Labcorp
Classification: Uncertain significance. Last evaluated: 2024-02-17. Review status: criteria provided, single submitter. Criteria: Invitae Variant Classification Sherloc (09022015). Collection method: clinical testing. Allele origin: germline.
Comment: This sequence change replaces methionine, which is neutral and non-polar, with isoleucine, which is neutral and non-polar, at codon 342 of the SPECC1L protein (p.Met342Ile). This variant is present in population databases (rs180674130, gnomAD 0.02%). This missense change has been observed in individual(s) with pulmonary stenosis (PMID: 32410215). ClinVar contains an entry for this variant (Variation ID: 1463248). An algorithm developed to predict the effect of missense changes on protein structure and function (PolyPhen-2) suggests that this variant is likely to be tolerated. In summary, the available evidence is currently insufficient to determine the role of this variant in disease. Therefore, it has been classified as a Variant of Uncertain Significance.

Literature cited by the submitters: PubMed 32410215.